The following is an entry in ClinVar:

ClinVar aggregate classification (germline): Conflicting classifications of pathogenicity. Review status: criteria provided, conflicting classifications (1 of 4 stars). 6 submissions from 5 submitters: Uncertain significance (5); Likely benign (1). Last evaluated 2025-12-15.

Conditions:
Hereditary cancer-predisposing syndrome. Also called: Neoplastic Syndromes, Hereditary; Hereditary neoplastic syndrome; Tumor predisposition; Hereditary Cancer Syndrome. Identifiers: Orphanet 140162, MedGen C0027672, MeSH D009386, MONDO:0015356.
Ataxia-telangiectasia syndrome (AT). Also called: Ataxia telangiectasia (A-T); Cerebello-oculocutaneous telangiectasia; Immunodeficiency with ataxia telangiectasia; Ataxia-telangiectasia, complementation group D; ATAXIA-TELANGIECTASIA, COMPLEMENTATION GROUP A; ATAXIA-TELANGIECTASIA, FRESNO VARIANT. Identifiers: Orphanet 100, MedGen C0004135, MONDO:0008840, OMIM 208900.
Familial cancer of breast. Also called: Hereditary breast cancer; BREAST CANCER, FAMILIAL; hereditary breast carcinoma. Identifiers: Orphanet 227535, MedGen C0346153, MONDO:0016419, OMIM 114480. Disease mechanism: loss of function.

Allele frequency attached by ClinVar (database versions not stated): gnomAD 0.00001.
gnomAD v4.1: 3 of 1,570,224 alleles (0.00019%); highest among the groups gnomAD compares: Non-Finnish European, 0.00017%; no homozygotes.

Submissions (6):

Ambry Genetics
Classification: Likely benign for Hereditary cancer-predisposing syndrome. Last evaluated: 2025-12-15. Review status: criteria provided, single submitter. Criteria: Ambry Variant Classification Scheme 2023. Collection method: clinical testing. Allele origin: germline.

Labcorp Genetics (formerly Invitae), Labcorp
Classification: Uncertain significance for Ataxia-telangiectasia syndrome. Last evaluated: 2025-11-05. Review status: criteria provided, single submitter. Criteria: Invitae Variant Classification Sherloc (09022015). Collection method: clinical testing. Allele origin: germline.
Comment: This sequence change replaces isoleucine, which is neutral and non-polar, with leucine, which is neutral and non-polar, at codon 1547 of the ATM protein (p.Ile1547Leu). This variant is present in population databases (no rsID available, gnomAD 0.005%). This variant has not been reported in the literature in individuals affected with ATM-related conditions. ClinVar contains an entry for this variant (Variation ID: 628673). Invitae Evidence Modeling of protein sequence and biophysical properties (such as structural, functional, and spatial information, amino acid conservation, physicochemical variation, residue mobility, and thermodynamic stability) indicates that this missense variant is not expected to disrupt ATM protein function with a negative predictive value of 95%. In summary, the available evidence is currently insufficient to determine the role of this variant in disease. Therefore, it has been classified as a Variant of Uncertain Significance.

Color Diagnostics, LLC DBA Color Health
Classification: Uncertain significance for Hereditary cancer-predisposing syndrome. Last evaluated: 2023-12-05. Review status: criteria provided, single submitter. Criteria: ACMG Guidelines, 2015. Collection method: clinical testing. Allele origin: germline.
Comment: This missense variant replaces isoleucine with leucine at codon 1547 of the ATM protein. Computational prediction suggests that this variant may not impact protein structure and function (internally defined REVEL score threshold <= 0.5, PMID: 27666373). To our knowledge, functional studies have not been reported for this variant. This variant has not been reported in individuals affected with ATM-related disorders in the literature. This variant has been identified in 1/244454 chromosomes in the general population by the Genome Aggregation Database (gnomAD). The available evidence is insufficient to determine the role of this variant in disease conclusively. Therefore, this variant is classified as a Variant of Uncertain Significance.

Baylor Genetics
Classification: Uncertain significance for Familial cancer of breast. Last evaluated: 2023-08-14. Review status: criteria provided, single submitter. Criteria: ACMG Guidelines, 2015. Collection method: clinical testing. Allele origin: unknown.

GeneDx
Classification: Uncertain significance. Last evaluated: 2019-07-19. Review status: criteria provided, single submitter. Criteria: GeneDx Variant Classification Process June 2021. Collection method: clinical testing. Allele origin: germline. Affected: yes.
Comment: Not observed at a significant frequency in large population cohorts (Lek et al., 2016); In silico analysis, which includes protein predictors and evolutionary conservation, supports that this variant does not alter protein structure/function; Has not been previously published as pathogenic or benign to our knowledge

Baylor Genetics
Classification: Uncertain significance for Ataxia-telangiectasia syndrome. Last evaluated: 2018-02-05. Review status: criteria provided, single submitter. Criteria: ACMG Guidelines, 2015. Collection method: clinical testing. Allele origin: paternal. Affected: yes.
Comment: This variant was determined to be of uncertain significance according to ACMG Guidelines, 2015 [PMID:25741868].

Literature cited by the submitters: PubMed 40580951 (cited by Ambry Genetics).

NM_000051.4(ATM):c.4639A>T (p.Ile1547Leu)

Gene: ATM (ATM serine/threonine kinase; plus strand). Cytogenetic location: 11q22.3.
Variant type: single nucleotide variant.
Coding change: c.4639A>T on transcript NM_000051.4 (MANE Select); coding-DNA position 4639, A replaced by T.
Protein change: p.Ile1547Leu; replaces isoleucine 1547 with leucine.
Molecular consequence: missense variant.
Genome position (GRCh38, 1-based): chr11:108,293,340, A>T. VCF-style: chr11-108293340-A-T. GRCh37 (hg19) VCF-style: chr11-108164067-A-T.
Other names: c.4639A>T, p.Ile1547Leu (NM_001351834.2); short protein forms I1547L.
Identifiers: ClinVar variation 628673 (VCV000628673.22), dbSNP rs537377433, ClinGen allele CA382534622.